The following is an entry in ClinVar:

ClinVar aggregate classification (germline): Uncertain significance (1 of 4 stars; one submission).

Conditions:
Hereditary sensory and autonomic neuropathy type 1 (HSAN1). Also called: HSAN 1; HSN Type I; Hereditary Sensory Neuropathy Type I. Identifiers: Orphanet 36386, MedGen C0020071, MONDO:0018213.

Allele frequency attached by ClinVar (database versions not stated): gnomAD exomes 0.00001 and below 0.00001.
gnomAD v4.1: 5 of 1,613,244 alleles (0.00031%); highest among the groups gnomAD compares: Middle Eastern, 0.017%; no homozygotes.

Submission:

Labcorp Genetics (formerly Invitae), Labcorp
Classification: Uncertain significance for Hereditary sensory and autonomic neuropathy type 1. Last evaluated: 2023-05-27. Review status: criteria provided, single submitter. Criteria: Invitae Variant Classification Sherloc (09022015). Collection method: clinical testing. Allele origin: germline.
Comment: ClinVar contains an entry for this variant (Variation ID: 1002990). In summary, the available evidence is currently insufficient to determine the role of this variant in disease. Therefore, it has been classified as a Variant of Uncertain Significance. Variants that disrupt the consensus splice site are a relatively common cause of aberrant splicing (PMID: 17576681, 9536098). Algorithms developed to predict the effect of sequence changes on RNA splicing suggest that this variant is not likely to affect RNA splicing. This variant has not been reported in the literature in individuals affected with SPTLC1-related conditions. This variant is present in population databases (no rsID available, gnomAD 0.0009%). This sequence change falls in intron 10 of the SPTLC1 gene. It does not directly change the encoded amino acid sequence of the SPTLC1 protein. It affects a nucleotide within the consensus splice site.

Literature cited by the submitters: PubMed 17576681; PubMed 9536098.

NM_006415.4(SPTLC1):c.985-3C>T

Gene: SPTLC1 (serine palmitoyltransferase long chain base subunit 1; minus strand). Cytogenetic location: 9q22.31.
Variant type: single nucleotide variant.
Coding change: c.985-3C>T on transcript NM_006415.4 (MANE Select); 3 bases into the intron before coding-DNA position 985, C replaced by T.
Molecular consequence: intron variant.
Genome position (GRCh38, 1-based): chr9:92,047,271, G>A on the plus strand (C>T on the coding strand, the complement: SPTLC1 is on the minus strand). VCF-style: chr9-92047271-G-A. GRCh37 (hg19) VCF-style: chr9-94809553-G-A.
Other names: c.985-3C>T (NM_001281303.2); c.619-3C>T (NM_001368272.1); c.520-3C>T (NM_001368273.1).
Identifiers: ClinVar variation 1002990 (VCV001002990.8), dbSNP rs1265439769, ClinGen allele CA589153287.